The following is an entry in ClinVar:

ClinVar aggregate classification (germline): Likely pathogenic. Review status: criteria provided, multiple submitters, no conflicts (2 of 4 stars). 2 submissions from 2 submitters: Likely pathogenic (2). Last evaluated 2025-02-24.

Conditions:
Marfan syndrome (MFS). Also called: MARFAN SYNDROME, TYPE I; Marfan syndrome type 1; Marfan's syndrome; Marfan syndrome, classic; FBN1-Related Marfan Syndrome. Identifiers: Orphanet 284963, Orphanet 558, MedGen C0024796, MONDO:0007947, OMIM 154700.
Familial thoracic aortic aneurysm and aortic dissection (TAAD). Also called: Thoracic aortic aneurysms and dissections. Identifiers: Orphanet 91387, MedGen C4707243, MONDO:0019625.

Submissions (2):

Color Diagnostics, LLC DBA Color Health
Classification: Likely pathogenic for Familial thoracic aortic aneurysm and aortic dissection. Last evaluated: 2025-02-24. Review status: criteria provided, single submitter. Criteria: ACMG Guidelines, 2015. Collection method: clinical testing. Allele origin: germline.
Comment: This missense variant replaces cysteine with serine at codon 2363 of the FBN1 protein. This variant has not been reported in individuals affected with FBN1-related disorders in the literature and has not been identified in the general population by the Genome Aggregation Database (gnomAD). Computational prediction suggests that this variant may have a deleterious impact on protein structure and function. This variant affects a cysteine residue located within a TGFbeta-like domain of the FBN1 protein. Cysteine residues in TGFbeta-like domains are involved in the formation of disulfide bridges, which are critical for FBN1 protein structure and stability (PMID: 4750422, 16677079). Notably, reference amino acids at codons 2363, 2364 and 2365 of FBN1 protein are all cysteines, and multiple missense variants at these codons, p.Cys2363Gly, p.Cys2363Phe, p.Cys2364Ser, p.Cys2365Tyr, are reported to be disease-causing (ClinVar variation ID: 690432, 951009, 2008785, 42419). Based on the available evidence that indicates the functional importance of cysteine residue at codon 2363, this variant is classified as Likely Pathogenic.

Labcorp Genetics (formerly Invitae), Labcorp
Classification: Likely pathogenic for Marfan syndrome; Familial thoracic aortic aneurysm and aortic dissection. Last evaluated: 2024-05-27. Review status: criteria provided, single submitter. Criteria: Invitae Variant Classification Sherloc (09022015). Collection method: clinical testing. Allele origin: germline.
Comment: This sequence change replaces cysteine, which is neutral and slightly polar, with serine, which is neutral and polar, at codon 2363 of the FBN1 protein (p.Cys2363Ser). This variant is not present in population databases (gnomAD no frequency). This missense change has been observed in individual(s) with Marfan syndrome (Invitae). Advanced modeling of protein sequence and biophysical properties (such as structural, functional, and spatial information, amino acid conservation, physicochemical variation, residue mobility, and thermodynamic stability) performed at Invitae indicates that this missense variant is expected to disrupt FBN1 protein function with a positive predictive value of 95%. This variant affects a cysteine residue in the EGF-like, TGFBP or hybrid motif domains of FBN1. Cysteine residues are believed to be involved in intramolecular disulfide bridges and have been shown to be important for FBN1 protein structure (PMID: 16905551, 19349279). In addition, missense substitutions affecting cysteine residues within these domains are significantly overrepresented among patients with Marfan syndrome (PMID: 16571647, 17701892). This variant disrupts the p.Cys2363 amino acid residue in FBN1. Other variant(s) that disrupt this residue have been observed in individuals with FBN1-related conditions (PMID: 25652356), which suggests that this may be a clinically significant amino acid residue. In summary, the currently available evidence indicates that the variant is pathogenic, but additional data are needed to prove that conclusively. Therefore, this variant has been classified as Likely Pathogenic.

Literature cited by the submitters: PubMed 4750422 (cited by Color Diagnostics, LLC DBA Color Health); PubMed 16677079 (cited by Color Diagnostics, LLC DBA Color Health); PubMed 16905551 (cited by Labcorp Genetics (formerly Invitae), Labcorp); PubMed 19349279 (cited by Labcorp Genetics (formerly Invitae), Labcorp); PubMed 16571647 (cited by Labcorp Genetics (formerly Invitae), Labcorp); PubMed 17701892 (cited by Labcorp Genetics (formerly Invitae), Labcorp); PubMed 25652356 (cited by Labcorp Genetics (formerly Invitae), Labcorp).

NM_000138.5(FBN1):c.7087T>A (p.Cys2363Ser)

Gene: FBN1 (fibrillin 1; minus strand). Cytogenetic location: 15q21.1.
Variant type: single nucleotide variant.
Coding change: c.7087T>A on transcript NM_000138.5 (MANE Select); coding-DNA position 7087, T replaced by A.
Protein change: p.Cys2363Ser; replaces cysteine 2363 with serine.
Molecular consequence: missense variant.
Genome position (GRCh38, 1-based): chr15:48,427,684, A>T on the plus strand (T>A on the coding strand, the complement: FBN1 is on the minus strand). VCF-style: chr15-48427684-A-T. GRCh37 (hg19) VCF-style: chr15-48719881-A-T.
Other names: c.7087T>A, p.Cys2363Ser (NM_001406716.1); short protein forms C2363S.
Identifiers: ClinVar variation 3754044 (VCV003754044.3).
Genomic context (GRCh38, chr15:48,427,684, plus strand): 5'-TCCCCTGGAAAGGGCAGATCTCACAGTGGGGACCCCAGCCTCTCCCTCCGTCACAGCAGC[A>T]TTCCGATTTGGTGACGGGGTTCCTGTTGCTGGAGCCGATCTGACACATGTTTTGTAGCAC-3'
Protein context (NP_000129.3, residues 2353-2373): SNRNPVTKSE[Cys2363Ser]CCDGGRGWGP